The following is an entry in ClinVar:

NM_004360.5(CDH1):c.687+11C>T

Gene: CDH1 (cadherin 1; plus strand). Cytogenetic location: 16q22.1.
Variant type: single nucleotide variant.
Coding change: c.687+11C>T on transcript NM_004360.5 (MANE Select); 11 bases into the intron after coding-DNA position 687, C replaced by T.
Molecular consequence: intron variant.
Genome position (GRCh38, 1-based): chr16:68,808,859, C>T. VCF-style: chr16-68808859-C-T. GRCh37 (hg19) VCF-style: chr16-68842762-C-T.
Other names: c.-929+11C>T (NM_001317185.2); c.-1133+11C>T (NM_001317186.2); c.687+11C>T (NM_001317184.2, LRG_301t1).
Identifiers: ClinVar variation 386628 (VCV000386628.9), dbSNP rs746109821, ClinGen allele CA8129903.

ClinVar aggregate classification (germline): Likely benign. Review status: criteria provided, multiple submitters, no conflicts (2 of 4 stars). 2 submissions from 2 submitters: Likely benign (2). Last evaluated 2025-11-17.

Conditions:
Hereditary diffuse gastric adenocarcinoma (HDGC). Also called: DIFFUSE GASTRIC AND LOBULAR BREAST CANCER SYNDROME. Identifiers: Orphanet 26106, MedGen C1708349, MONDO:0007648, OMIM 137215.

Allele frequency attached by ClinVar (database versions not stated): TOPMed below 0.00001; ExAC 0.00001; gnomAD exomes 0.00002 and below 0.00001.
gnomAD v4.1: 25 of 1,613,528 alleles (0.0015%); highest among the groups gnomAD compares: Non-Finnish European, 0.0021%; no homozygotes.

Submissions (2):

Labcorp Genetics (formerly Invitae), Labcorp
Classification: Likely benign for Hereditary diffuse gastric adenocarcinoma. Last evaluated: 2025-11-17. Review status: criteria provided, single submitter. Criteria: Invitae Variant Classification Sherloc (09022015). Collection method: clinical testing. Allele origin: germline.

GeneDx
Classification: Likely benign. Last evaluated: 2016-05-27. Review status: criteria provided, single submitter. Criteria: GeneDx Variant Classification (06012015). Collection method: clinical testing. Allele origin: germline. Affected: yes.
Comment: This variant is considered likely benign or benign based on one or more of the following criteria: it is a conservative change, it occurs at a poorly conserved position in the protein, it is predicted to be benign by multiple in silico algorithms, and/or has population frequency not consistent with disease.